The following is an entry in ClinVar:

ClinVar aggregate classification (germline): Likely benign. Review status: criteria provided, single submitter (1 of 4 stars). 2 submissions from 2 submitters: Likely benign (1). 1 of the submissions does not count toward it. Last evaluated 2024-11-26.

Conditions:
SEPTIN9-related disorder. Also called: SEPTIN9-related condition.

Allele frequency attached by ClinVar (database versions not stated): gnomAD exomes 0.00703; ExAC 0.00820; gnomAD 0.01381; TOPMed 0.01622; 1000 Genomes Project 30x 0.04638; 1000 Genomes Project 0.04712.
gnomAD v4.1: 12,400 of 1,535,280 alleles (0.81%); highest among the groups gnomAD compares: East Asian, 15%; 656 homozygotes.

Submissions (2):

Blueprint Genetics
Classification: Likely benign. Last evaluated: 2024-11-26. Review status: criteria provided, single submitter. Criteria: ACMG Guidelines, 2015. Collection method: clinical testing. Allele origin: germline.

PreventionGenetics, part of Exact Sciences
Classification: Benign for SEPTIN9-related condition. Last evaluated: 2019-09-17. Review status: no assertion criteria provided. Collection method: clinical testing. Allele origin: germline. Not counted in ClinVar's aggregate classification.
Comment: This variant is classified as benign based on ACMG/AMP sequence variant interpretation guidelines (Richards et al. 2015 PMID: 25741868, with internal and published modifications).

NM_001113491.2(SEPTIN9):c.721+2406C>T

Gene: SEPTIN9 (septin 9; plus strand). Cytogenetic location: 17q25.3.
Variant type: single nucleotide variant.
Coding change: c.721+2406C>T on transcript NM_001113491.2 (MANE Select); 2406 bases into the intron after coding-DNA position 721, C replaced by T.
Molecular consequence: intron variant. On other transcripts: synonymous variant (1).
Genome position (GRCh38, 1-based): chr17:77,405,109, C>T. VCF-style: chr17-77405109-C-T. GRCh37 (hg19) VCF-style: chr17-75401191-C-T.
Other names: c.18C>T, p.Cys6= (NM_001293696.2); c.664+2406C>T (NM_001293695.2); c.229+2406C>T (NM_001113492.2, NM_001113494.1); c.667+2406C>T (NM_006640.5); c.700+2406C>T (NM_001113493.2).
Identifiers: ClinVar variation 3060655 (VCV003060655.3), dbSNP rs12601411, ClinGen allele CA8793286.